The following is an entry in ClinVar:

ClinVar aggregate classification (germline): Pathogenic/Likely pathogenic. Review status: criteria provided, multiple submitters, no conflicts (2 of 4 stars). 3 submissions from 3 submitters: Pathogenic (1); Likely pathogenic (1). 1 of the submissions does not count toward it. Last evaluated 2026-08-14.

Conditions:
Fetal anomalies with a likely genetic cause.
Osteogenesis imperfecta (OI). Identifiers: Orphanet 666, MedGen C0029434, MeSH D010013, MONDO:0019019.
COL1A1-related disorder. Also called: COL1A1- related disease; COL1A1-related condition.

Submissions (3):

Genetics Laboratory, Great Ormond Street Hospital NHS Foundation Trust, North Thames Genomic Laboratory Hub
Classification: Pathogenic for Fetal anomalies with a likely genetic cause. Last evaluated: 2026-08-14. Review status: criteria provided, single submitter. Criteria: ACGS Best Practice Guidelines for Variant Classification in Rare Disease 2024 v1.2. Collection method: clinical testing. Allele origin: germline. Affected: yes.
Comment: PS4_moderate, PM2_moderate, PP3_supporting, PM1_strong, PS2_supporting

Institute of Medical Genetics and Genomics, Sir Ganga Ram Hospital
Classification: Likely pathogenic for Osteogenesis imperfecta. Last evaluated: 2022-02-06. Review status: criteria provided, single submitter. Criteria: ACMG Guidelines, 2015. Collection method: clinical testing. Allele origin: germline. Affected: yes. Observed: 1 variant allele.

PreventionGenetics, part of Exact Sciences
Classification: Likely pathogenic for COL1A1-related condition. Last evaluated: 2023-11-15. Review status: no assertion criteria provided. Collection method: clinical testing. Allele origin: germline. Not counted in ClinVar's aggregate classification.
Comment: The COL1A1 c.2579G>A variant is predicted to result in the amino acid substitution p.Gly860Glu. To our knowledge, this variant has not been reported in literature in association with disease to date; however, glycine substitutions of the triple helical domain of COL1A1 are a primary known mechanism of disease (Steiner and Basel. 2021. PubMed ID: 20301472). Additionally, an alternate amino acid change at this position (p.Gly860Ala) was reported in individuals with osteogenesis imperfecta (Marini et al. 2007. PubMed ID: 17078022, reported as p.Gly682Ala). This variant has not been reported in a large population database, indicating this variant is rare. This variant is interpreted as likely pathogenic.

Literature cited by the submitters: PubMed 31363794 (cited by Institute of Medical Genetics and Genomics, Sir Ganga Ram Hospital); PubMed 29499418 (cited by Institute of Medical Genetics and Genomics, Sir Ganga Ram Hospital); PubMed 30614853 (cited by Institute of Medical Genetics and Genomics, Sir Ganga Ram Hospital); PubMed 34249109 (cited by Institute of Medical Genetics and Genomics, Sir Ganga Ram Hospital); PubMed 34091789 (cited by Institute of Medical Genetics and Genomics, Sir Ganga Ram Hospital); PubMed 33939306 (cited by Institute of Medical Genetics and Genomics, Sir Ganga Ram Hospital).

NM_000088.4(COL1A1):c.2579G>A (p.Gly860Glu)

Gene: COL1A1 (collagen type I alpha 1 chain; minus strand). Cytogenetic location: 17q21.33.
Variant type: single nucleotide variant.
Coding change: c.2579G>A on transcript NM_000088.4 (MANE Select); coding-DNA position 2579, G replaced by A.
Protein change: p.Gly860Glu; replaces glycine 860 with glutamic acid.
Molecular consequence: missense variant.
Genome position (GRCh38, 1-based): chr17:50,189,893, C>T on the plus strand (G>A on the coding strand, the complement: COL1A1 is on the minus strand). VCF-style: chr17-50189893-C-T. GRCh37 (hg19) VCF-style: chr17-48267254-C-T.
Other names: p.Gly860Glu; c.2579G>A (NM_000088.3); short protein forms G860E.
Identifiers: ClinVar variation 1341495 (VCV001341495.6), dbSNP rs72653142, ClinGen allele CA400207326.